The following is an entry in ClinVar:

ClinVar aggregate classification (germline): Benign/Likely benign. Review status: criteria provided, multiple submitters, no conflicts (2 of 4 stars). 2 submissions from 2 submitters: Benign (1); Likely benign (1). Last evaluated 2025-11-27.

Allele frequency attached by ClinVar (database versions not stated): gnomAD 0.00001; gnomAD exomes 0.00001; TOPMed 0.00002; ExAC 0.00003.
gnomAD v4.1: 10 of 1,612,152 alleles (0.00062%); highest among the groups gnomAD compares: African/African-American, 0.004%; no homozygotes.

Submissions (2):

Labcorp Genetics (formerly Invitae), Labcorp
Classification: Benign. Last evaluated: 2025-11-27. Review status: criteria provided, single submitter. Criteria: Invitae Variant Classification Sherloc (09022015). Collection method: clinical testing. Allele origin: germline.

Laboratory for Molecular Medicine, Mass General Brigham Personalized Medicine
Classification: Likely benign. Last evaluated: 2015-11-05. Review status: criteria provided, single submitter. Criteria: LMM Criteria. Collection method: clinical testing. Allele origin: germline. Observed: 1 variant allele.
Comment: p.Thr936Thr in exon 39 of COL11A2: This variant is not expected to have clinical significance because it does not alter an amino acid residue and is not located within the splice consensus sequence. It has been identified in 3/114296 of chr omosomes by the Exome Aggregation Consortium (ExAC, rg).

NM_080680.3(COL11A2):c.2808C>T (p.Thr936=)

Gene: COL11A2 (collagen type XI alpha 2 chain; minus strand). Cytogenetic location: 6p21.32.
Variant type: single nucleotide variant.
Coding change: c.2808C>T on transcript NM_080680.3 (MANE Select); coding-DNA position 2808, C replaced by T.
Protein change: p.Thr936=; no amino-acid change (threonine 936 retained).
Molecular consequence: synonymous variant.
Genome position (GRCh38, 1-based): chr6:33,172,620, G>A on the plus strand (C>T on the coding strand, the complement: COL11A2 is on the minus strand). VCF-style: chr6-33172620-G-A. GRCh37 (hg19) VCF-style: chr6-33140397-G-A.
Other names: c.2487C>T, p.Thr829= (NM_080679.3); c.2550C>T, p.Thr850= (NM_080681.3).
Identifiers: ClinVar variation 227267 (VCV000227267.12), dbSNP rs775487504, ClinGen allele CA3750721.